The following is an entry in ClinVar:

NM_005235.3(ERBB4):c.1709A>G (p.His570Arg)

Gene: ERBB4 (erb-b2 receptor tyrosine kinase 4; minus strand). Cytogenetic location: 2q34.
Variant type: single nucleotide variant.
Coding change: c.1709A>G on transcript NM_005235.3 (MANE Select); coding-DNA position 1709, A replaced by G.
Protein change: p.His570Arg; replaces histidine 570 with arginine.
Molecular consequence: missense variant.
Genome position (GRCh38, 1-based): chr2:211,673,171, T>C on the plus strand (A>G on the coding strand, the complement: ERBB4 is on the minus strand). VCF-style: chr2-211673171-T-C. GRCh37 (hg19) VCF-style: chr2-212537896-T-C.
Other names: c.1709A>G, p.His570Arg (NM_001042599.2); short protein forms H570R.
Identifiers: ClinVar variation 2184076 (VCV002184076.5), dbSNP rs147639134, ClinGen allele CA2088050.
Genomic context (GRCh38, chr2:211,673,171, plus strand): 5'-ATTCATACATGATACTAAATAAGCCAACACACCACAGATGTCTTCAGGCTTACCGGTCCA[T>C]GGCATGTGAGGAGGCCATCTTCCATCTTCTCACACTGGGGGTCACACTCCACACAGATGG-3'
Protein context (NP_005226.1, residues 560-580): EKMEDGLLTC[His570Arg]GPGPDNCTKC

ClinVar aggregate classification (germline): Uncertain significance. Review status: criteria provided, single submitter (1 of 4 stars). 2 submissions from 2 submitters: Uncertain significance (1). 1 of the submissions does not count toward it. Last evaluated 2025-06-02.

Conditions:
ERBB4-related disorder. Also called: ERBB4-related condition.

Allele frequency attached by ClinVar (database versions not stated): gnomAD 0.00003; gnomAD exomes 0.00003; TOPMed 0.00003; ExAC 0.00007; ESP Exome Variant Server 0.00008.
gnomAD v4.1: 41 of 1,610,946 alleles (0.0025%); highest among the groups gnomAD compares: Middle Eastern, 0.066%; no homozygotes.

Submissions (2):

Labcorp Genetics (formerly Invitae), Labcorp
Classification: Uncertain significance. Last evaluated: 2025-06-02. Review status: criteria provided, single submitter. Criteria: Invitae Variant Classification Sherloc (09022015). Collection method: clinical testing. Allele origin: germline.
Comment: This sequence change replaces histidine, which is basic and polar, with arginine, which is basic and polar, at codon 570 of the ERBB4 protein (p.His570Arg). This variant is present in population databases (rs147639134, gnomAD 0.007%). This variant has not been reported in the literature in individuals affected with ERBB4-related conditions. ClinVar contains an entry for this variant (Variation ID: 2184076). Invitae Evidence Modeling of protein sequence and biophysical properties (such as structural, functional, and spatial information, amino acid conservation, physicochemical variation, residue mobility, and thermodynamic stability) indicates that this missense variant is not expected to disrupt ERBB4 protein function with a negative predictive value of 80%. In summary, the available evidence is currently insufficient to determine the role of this variant in disease. Therefore, it has been classified as a Variant of Uncertain Significance.

PreventionGenetics, part of Exact Sciences
Classification: Uncertain significance for ERBB4-related condition. Last evaluated: 2024-04-03. Review status: no assertion criteria provided. Collection method: clinical testing. Allele origin: germline. Not counted in ClinVar's aggregate classification.
Comment: The ERBB4 c.1709A>G variant is predicted to result in the amino acid substitution p.His570Arg. To our knowledge, this variant has not been reported in the literature. This variant is reported in 0.0077% of alleles in individuals of European (Non-Finnish) descent in gnomAD. At this time, the clinical significance of this variant is uncertain due to the absence of conclusive functional and genetic evidence.